The following is an entry in ClinVar:

ClinVar aggregate classification (germline): Uncertain significance. Review status: criteria provided, multiple submitters, no conflicts (2 of 4 stars). 3 submissions from 3 submitters: Uncertain significance (3). Last evaluated 2024-10-26.

Conditions:
Hereditary cancer-predisposing syndrome. Also called: Tumor predisposition; Hereditary Cancer Syndrome; Hereditary neoplastic syndrome; Neoplastic Syndromes, Hereditary. Identifiers: Orphanet 140162, MedGen C0027672, MeSH D009386, MONDO:0015356.
POLD1-related polyposis and colorectal cancer syndrome (CRCS10). Also called: Colorectal cancer 10; COLORECTAL CANCER, SUSCEPTIBILITY TO, ON CHROMOSOME 19q; Colorectal cancer, susceptibility to, 10. Identifiers: Orphanet 220460, MedGen C2675481, MONDO:0012953, OMIM 612591.
Immunodeficiency 120. Identifiers: MedGen C5935622, MONDO:0970994, OMIM 620836.
Mandibular hypoplasia-deafness-progeroid syndrome. Also called: Mandibular hypoplasia, deafness, progeroid features, and lipodystrophy syndrome. Identifiers: Orphanet 363649, MedGen C3715192, MONDO:0014157, OMIM 615381.

Submissions (3):

Labcorp Genetics (formerly Invitae), Labcorp
Classification: Uncertain significance for POLD1-related polyposis and colorectal cancer syndrome. Last evaluated: 2024-10-26. Review status: criteria provided, single submitter. Criteria: Invitae Variant Classification Sherloc (09022015). Collection method: clinical testing. Allele origin: germline.
Comment: This sequence change replaces glycine, which is neutral and non-polar, with arginine, which is basic and polar, at codon 64 of the POLD1 protein (p.Gly64Arg). This variant is not present in population databases (gnomAD no frequency). This variant has not been reported in the literature in individuals affected with POLD1-related conditions. ClinVar contains an entry for this variant (Variation ID: 1055420). Invitae Evidence Modeling of protein sequence and biophysical properties (such as structural, functional, and spatial information, amino acid conservation, physicochemical variation, residue mobility, and thermodynamic stability) indicates that this missense variant is not expected to disrupt POLD1 protein function with a negative predictive value of 80%. In summary, the available evidence is currently insufficient to determine the role of this variant in disease. Therefore, it has been classified as a Variant of Uncertain Significance.

Fulgent Genetics
Classification: Uncertain significance for POLD1-related polyposis and colorectal cancer syndrome; Mandibular hypoplasia-deafness-progeroid syndrome; Immunodeficiency 120. Last evaluated: 2024-05-30. Review status: criteria provided, single submitter. Criteria: ACMG Guidelines, 2015. Collection method: clinical testing. Allele origin: germline.

Ambry Genetics
Classification: Uncertain significance for Hereditary cancer-predisposing syndrome. Last evaluated: 2024-01-21. Review status: criteria provided, single submitter. Criteria: Ambry Variant Classification Scheme 2023. Collection method: clinical testing. Allele origin: germline.
Comment: The p.G64R variant (also known as c.190G>C), located in coding exon 1 of the POLD1 gene, results from a G to C substitution at nucleotide position 190. The glycine at codon 64 is replaced by arginine, an amino acid with dissimilar properties. This amino acid position is conserved. In addition, this alteration is predicted to be tolerated by in silico analysis. Based on the available evidence, the clinical significance of this alteration remains unclear.

NM_002691.4(POLD1):c.190G>C (p.Gly64Arg)

Gene: POLD1 (DNA polymerase delta 1, catalytic subunit; plus strand). Cytogenetic location: 19q13.33.
Variant type: single nucleotide variant.
Coding change: c.190G>C on transcript NM_002691.4 (MANE Select); coding-DNA position 190, G replaced by C.
Protein change: p.Gly64Arg; replaces glycine 64 with arginine.
Molecular consequence: missense variant. On other transcripts: non-coding transcript variant (1).
Genome position (GRCh38, 1-based): chr19:50,399,041, G>C. VCF-style: chr19-50399041-G-C. GRCh37 (hg19) VCF-style: chr19-50902298-G-C.
Other names: c.190G>C, p.Gly64Arg (NM_001256849.1, NM_001308632.1); c.190G>C (NM_002691.2); short protein forms G64R.
Identifiers: ClinVar variation 1055420 (VCV001055420.11), dbSNP rs2122197687, ClinGen allele CA406970342.